The following is an entry in ClinVar:

ClinVar aggregate classification (germline): Uncertain significance. Review status: criteria provided, multiple submitters, no conflicts (2 of 4 stars). 2 submissions from 2 submitters: Uncertain significance (2). Last evaluated 2024-05-30.

Conditions:
Inborn genetic diseases. Identifiers: MedGen C0950123, MeSH D030342.

Allele frequency attached by ClinVar (database versions not stated): gnomAD exomes below 0.00001 and 0.00001; TOPMed below 0.00001; ExAC 0.00001; gnomAD 0.00001.
gnomAD v4.1: 6 of 1,613,860 alleles (0.00037%); highest among the groups gnomAD compares: Admixed American, 0.0017%; no homozygotes.

Submissions (2):

Ambry Genetics
Classification: Uncertain significance for Inborn genetic diseases. Last evaluated: 2024-05-30. Review status: criteria provided, single submitter. Criteria: Ambry Variant Classification Scheme 2023. Collection method: clinical testing. Allele origin: germline.

Labcorp Genetics (formerly Invitae), Labcorp
Classification: Uncertain significance. Last evaluated: 2022-09-27. Review status: criteria provided, single submitter. Criteria: Invitae Variant Classification Sherloc (09022015). Collection method: clinical testing. Allele origin: germline.
Comment: This sequence change replaces glycine, which is neutral and non-polar, with glutamic acid, which is acidic and polar, at codon 2225 of the USH2A protein (p.Gly2225Glu). This variant is present in population databases (rs763755886, gnomAD 0.003%). This variant has not been reported in the literature in individuals affected with USH2A-related conditions. ClinVar contains an entry for this variant (Variation ID: 1407212). Advanced modeling of protein sequence and biophysical properties (such as structural, functional, and spatial information, amino acid conservation, physicochemical variation, residue mobility, and thermodynamic stability) performed at Invitae indicates that this missense variant is expected to disrupt USH2A protein function. In summary, the available evidence is currently insufficient to determine the role of this variant in disease. Therefore, it has been classified as a Variant of Uncertain Significance.

NM_206933.4(USH2A):c.6674G>A (p.Gly2225Glu)

Gene: USH2A (usherin; minus strand). Cytogenetic location: 1q41.
Variant type: single nucleotide variant.
Coding change: c.6674G>A on transcript NM_206933.4 (MANE Select); coding-DNA position 6674, G replaced by A.
Protein change: p.Gly2225Glu; replaces glycine 2225 with glutamic acid.
Molecular consequence: missense variant.
Genome position (GRCh38, 1-based): chr1:215,993,151, C>T on the plus strand (G>A on the coding strand, the complement: USH2A is on the minus strand). VCF-style: chr1-215993151-C-T. GRCh37 (hg19) VCF-style: chr1-216166493-C-T.
Other names: c.6674G>A (NM_206933.2); short protein forms G2225E.
Identifiers: ClinVar variation 1407212 (VCV001407212.4), dbSNP rs763755886, ClinGen allele CA1395065.